The following is an entry in ClinVar:

ClinVar aggregate classification (germline): Uncertain significance (1 of 4 stars; one submission).

Conditions:
Cardiovascular phenotype. Identifiers: MedGen CN230736.

Submission:

Ambry Genetics
Classification: Uncertain significance for Cardiovascular phenotype. Last evaluated: 2024-05-25. Review status: criteria provided, single submitter. Criteria: Ambry Variant Classification Scheme 2023. Collection method: clinical testing. Allele origin: germline.
Comment: The p.E100K variant (also known as c.298G>A), located in coding exon 3 of the APOC2 gene, results from a G to A substitution at nucleotide position 298. The glutamic acid at codon 100 is replaced by lysine, an amino acid with similar properties. This amino acid position is conserved. In addition, this alteration is predicted to be tolerated by in silico analysis. Based on the available evidence, the clinical significance of this variant remains unclear.

NM_000483.5(APOC2):c.298G>A (p.Glu100Lys)

Genes: APOC2 (apolipoprotein C2; plus strand), APOC4-APOC2 (APOC4-APOC2 readthrough (NMD candidate); plus strand). Cytogenetic location: 19q13.32.
Variant type: single nucleotide variant.
Coding change: c.298G>A on transcript NM_000483.5 (MANE Select); coding-DNA position 298, G replaced by A.
Protein change: p.Glu100Lys; replaces glutamic acid 100 with lysine.
Molecular consequence: missense variant. On other transcripts: non-coding transcript variant (1).
Genome position (GRCh38, 1-based): chr19:44,949,241, G>A. VCF-style: chr19-44949241-G-A. GRCh37 (hg19) VCF-style: chr19-45452498-G-A.
Other names: short protein forms E100K.
Identifiers: ClinVar variation 3308445 (VCV003308445.1).